The following is an entry in ClinVar:

NM_021098.3(CACNA1H):c.1850T>C (p.Leu617Pro)

Gene: CACNA1H (calcium voltage-gated channel subunit alpha1 H; plus strand). Cytogenetic location: 16p13.3.
Variant type: single nucleotide variant.
Coding change: c.1850T>C on transcript NM_021098.3 (MANE Select); coding-DNA position 1850, T replaced by C.
Protein change: p.Leu617Pro; replaces leucine 617 with proline.
Molecular consequence: missense variant.
Genome position (GRCh38, 1-based): chr16:1,202,300, T>C. VCF-style: chr16-1202300-T-C. GRCh37 (hg19) VCF-style: chr16-1252300-T-C.
Other names: c.1850T>C, p.Leu617Pro (NM_001005407.2); short protein forms L617P.
Identifiers: ClinVar variation 529581 (VCV000529581.10), dbSNP rs1433856447, ClinGen allele CA394162685.

ClinVar aggregate classification (germline): Uncertain significance. Review status: criteria provided, multiple submitters, no conflicts (2 of 4 stars). 2 submissions from 2 submitters: Uncertain significance (2). Last evaluated 2023-03-20.

Conditions:
Hyperaldosteronism, familial, type IV (HALD4). Also called: FH IV; ALDOSTERONISM, PRIMARY, AND HYPERTENSION. Identifiers: Orphanet 642671, MedGen C4310756, MONDO:0014875, OMIM 617027.
Idiopathic generalized epilepsy. Also called: Generalised epilepsy; EIG. Identifiers: MedGen C0270850, MONDO:0005579, OMIM 600669.
Inborn genetic diseases. Identifiers: MedGen C0950123, MeSH D030342.

Allele frequency attached by ClinVar (database versions not stated): gnomAD exomes 0.00001.
gnomAD v4.1: 4 of 1,585,354 alleles (0.00025%); highest among the groups gnomAD compares: Non-Finnish European, 0.00034%; no homozygotes.

Submissions (2):

Ambry Genetics
Classification: Uncertain significance for Inborn genetic diseases. Last evaluated: 2023-03-20. Review status: criteria provided, single submitter. Criteria: Ambry Variant Classification Scheme 2023. Collection method: clinical testing. Allele origin: germline.

Labcorp Genetics (formerly Invitae), Labcorp
Classification: Uncertain significance for Idiopathic generalized epilepsy; Hyperaldosteronism, familial, type IV. Last evaluated: 2022-02-05. Review status: criteria provided, single submitter. Criteria: Invitae Variant Classification Sherloc (09022015). Collection method: clinical testing. Allele origin: germline.
Comment: In summary, the available evidence is currently insufficient to determine the role of this variant in disease. Therefore, it has been classified as a Variant of Uncertain Significance. Advanced modeling of protein sequence and biophysical properties (such as structural, functional, and spatial information, amino acid conservation, physicochemical variation, residue mobility, and thermodynamic stability) performed at Invitae indicates that this missense variant is not expected to disrupt CACNA1H protein function. ClinVar contains an entry for this variant (Variation ID: 529581). This variant has not been reported in the literature in individuals affected with CACNA1H-related conditions. The frequency data for this variant in the population databases is considered unreliable, as metrics indicate poor data quality at this position in the gnomAD database. This sequence change replaces leucine, which is neutral and non-polar, with proline, which is neutral and non-polar, at codon 617 of the CACNA1H protein (p.Leu617Pro).